The following is an entry in ClinVar:

ClinVar aggregate classification (germline): Uncertain significance (1 of 4 stars; one submission).

Allele frequency attached by ClinVar (database versions not stated): gnomAD exomes below 0.00001; ExAC 0.00001.
gnomAD v4.1: 1 of 1,614,086 alleles (0.000062%); highest among the groups gnomAD compares: Admixed American, 0.0017%; no homozygotes.

Submission:

Labcorp Genetics (formerly Invitae), Labcorp
Classification: Uncertain significance. Last evaluated: 2021-09-22. Review status: criteria provided, single submitter. Criteria: Invitae Variant Classification Sherloc (09022015). Collection method: clinical testing. Allele origin: germline.
Comment: This sequence change replaces tyrosine with histidine at codon 4507 of the USH2A protein (p.Tyr4507His). The tyrosine residue is highly conserved and there is a moderate physicochemical difference between tyrosine and histidine. This variant is present in population databases (rs756025329, ExAC 0.009%). This variant has not been reported in the literature in individuals affected with USH2A-related conditions. Algorithms developed to predict the effect of missense changes on protein structure and function (SIFT, PolyPhen-2, Align-GVGD) all suggest that this variant is likely to be disruptive. In summary, the available evidence is currently insufficient to determine the role of this variant in disease. Therefore, it has been classified as a Variant of Uncertain Significance.

NM_206933.4(USH2A):c.13519T>C (p.Tyr4507His)

Gene: USH2A (usherin; minus strand). Cytogenetic location: 1q41.
Variant type: single nucleotide variant.
Coding change: c.13519T>C on transcript NM_206933.4 (MANE Select); coding-DNA position 13519, T replaced by C.
Protein change: p.Tyr4507His; replaces tyrosine 4507 with histidine.
Molecular consequence: missense variant.
Genome position (GRCh38, 1-based): chr1:215,674,392, A>G on the plus strand (T>C on the coding strand, the complement: USH2A is on the minus strand). VCF-style: chr1-215674392-A-G. GRCh37 (hg19) VCF-style: chr1-215847734-A-G.
Other names: short protein forms Y4507H.
Identifiers: ClinVar variation 1966543 (VCV001966543.2), dbSNP rs756025329, ClinGen allele CA1393275.